The following is an entry in ClinVar:

NM_004820.5(CYP7B1):c.1037T>C (p.Leu346Ser)

Gene: CYP7B1 (cytochrome P450 family 7 subfamily B member 1; minus strand). Cytogenetic location: 8q12.3.
Variant type: single nucleotide variant.
Coding change: c.1037T>C on transcript NM_004820.5 (MANE Select); coding-DNA position 1037, T replaced by C.
Protein change: p.Leu346Ser; replaces leucine 346 with serine.
Molecular consequence: missense variant.
Genome position (GRCh38, 1-based): chr8:64,615,046, A>G on the plus strand (T>C on the coding strand, the complement: CYP7B1 is on the minus strand). VCF-style: chr8-64615046-A-G. GRCh37 (hg19) VCF-style: chr8-65527603-A-G.
Other names: c.1037T>C, p.Leu346Ser (NM_001324112.2); c.1037T>C (NM_004820.3); short protein forms L346S.
Identifiers: ClinVar variation 1463952 (VCV001463952.4), dbSNP rs778365454, ClinGen allele CA371334420.

ClinVar aggregate classification (germline): Uncertain significance. Review status: criteria provided, multiple submitters, no conflicts (2 of 4 stars). 2 submissions from 2 submitters: Uncertain significance (2). Last evaluated 2025-04-28.

Conditions:
Spastic paraplegia. Identifiers: MedGen C0037772, HP:0001258.
Inborn genetic diseases. Identifiers: MedGen C0950123, MeSH D030342.

Allele frequency attached by ClinVar (database versions not stated): TOPMed 0.00001.
gnomAD v4.1: 3 of 1,613,676 alleles (0.00019%); highest among the groups gnomAD compares: East Asian, 0.0067%; no homozygotes.

Submissions (2):

Ambry Genetics
Classification: Uncertain significance for Inborn genetic diseases. Last evaluated: 2025-04-28. Review status: criteria provided, single submitter. Criteria: Ambry Variant Classification Scheme 2023. Collection method: clinical testing. Allele origin: germline.

Labcorp Genetics (formerly Invitae), Labcorp
Classification: Uncertain significance for Spastic paraplegia. Last evaluated: 2021-09-03. Review status: criteria provided, single submitter. Criteria: Invitae Variant Classification Sherloc (09022015). Collection method: clinical testing. Allele origin: germline.
Comment: This sequence change replaces leucine with serine at codon 346 of the CYP7B1 protein (p.Leu346Ser). The leucine residue is highly conserved and there is a large physicochemical difference between leucine and serine. This variant is not present in population databases (ExAC no frequency). This variant has not been reported in the literature in individuals affected with CYP7B1-related conditions. Algorithms developed to predict the effect of missense changes on protein structure and function (SIFT, PolyPhen-2, Align-GVGD) all suggest that this variant is likely to be disruptive. In summary, the available evidence is currently insufficient to determine the role of this variant in disease. Therefore, it has been classified as a Variant of Uncertain Significance.